The following is an entry in ClinVar:

NM_178822.5(IGSF10):c.345T>C (p.Asn115=)

Gene: IGSF10 (immunoglobulin superfamily member 10; minus strand). Cytogenetic location: 3q25.1.
Variant type: single nucleotide variant.
Coding change: c.345T>C on transcript NM_178822.5 (MANE Select); coding-DNA position 345, T replaced by C.
Protein change: p.Asn115=; no amino-acid change (asparagine 115 retained).
Molecular consequence: synonymous variant.
Genome position (GRCh38, 1-based): chr3:151,453,754, A>G on the plus strand (T>C on the coding strand, the complement: IGSF10 is on the minus strand). VCF-style: chr3-151453754-A-G. GRCh37 (hg19) VCF-style: chr3-151171542-A-G.
Other names: c.345T>C (NM_178822.4); c.345T>C, p.Asn115= (NM_001385060.1, NM_001385061.1, NM_001385062.1 and 1 more transcripts).
Identifiers: ClinVar variation 1598559 (VCV001598559.11), dbSNP rs7621591, ClinGen allele CA2670782.

ClinVar aggregate classification (germline): Benign. Review status: criteria provided, multiple submitters, no conflicts (2 of 4 stars). 3 submissions from 3 submitters: Benign (2). 1 of the submissions does not count toward it. Last evaluated 2026-02-04.

Conditions:
IGSF10-related disorder. Also called: IGSF10-related condition.

Allele frequency attached by ClinVar (database versions not stated): gnomAD exomes 0.76937 and 0.75882; ExAC 0.77379; gnomAD 0.78679 and 0.78648; ESP Exome Variant Server 0.80022; 1000 Genomes Project 30x 0.81230; TOPMed 0.79506; 1000 Genomes Project 0.81170.
gnomAD v4.1: 1,187,031 of 1,557,192 alleles (76%); highest among the groups gnomAD compares: Middle Eastern, 92%; 454,332 homozygotes.

Submissions (3):

Labcorp Genetics (formerly Invitae), Labcorp
Classification: Benign. Last evaluated: 2026-02-04. Review status: criteria provided, single submitter. Criteria: Invitae Variant Classification Sherloc (09022015). Collection method: clinical testing. Allele origin: germline.

Breakthrough Genomics
Classification: Benign. Review status: criteria provided, single submitter. Criteria: ACMG Guidelines, 2015. Collection method: not provided. Allele origin: germline. Inheritance: Unknown mechanism. Affected: yes.

PreventionGenetics, part of Exact Sciences
Classification: Benign for IGSF10-related condition. Last evaluated: 2019-10-17. Review status: no assertion criteria provided. Collection method: clinical testing. Allele origin: germline. Not counted in ClinVar's aggregate classification.
Comment: This variant is classified as benign based on ACMG/AMP sequence variant interpretation guidelines (Richards et al. 2015 PMID: 25741868, with internal and published modifications).